The following is an entry in ClinVar:

ClinVar aggregate classification (germline): Uncertain significance (1 of 4 stars; one submission).

Conditions:
Mucopolysaccharidosis type 6 (MPS6). Also called: MPS VI; ARSB DEFICIENCY; ARYLSULFATASE B DEFICIENCY; N-ACETYLGALACTOSAMINE-4-SULFATASE DEFICIENCY; MPS 6; Maroteaux Lamy syndrome. Identifiers: Orphanet 583, MedGen C0026709, MONDO:0009661, OMIM 253200.

Allele frequency attached by ClinVar (database versions not stated): TOPMed below 0.00001; gnomAD 0.00001.
gnomAD v4.1: 1 of 1,613,998 alleles (0.000062%); highest among the groups gnomAD compares: African/African-American, 0.0013%; no homozygotes.

Submission:

Labcorp Genetics (formerly Invitae), Labcorp
Classification: Uncertain significance for Mucopolysaccharidosis type 6. Last evaluated: 2022-10-13. Review status: criteria provided, single submitter. Criteria: Invitae Variant Classification Sherloc (09022015). Collection method: clinical testing. Allele origin: germline.
Comment: This sequence change replaces lysine, which is basic and polar, with asparagine, which is neutral and polar, at codon 497 of the ARSB protein (p.Lys497Asn). This variant is not present in population databases (gnomAD no frequency). This variant has not been reported in the literature in individuals affected with ARSB-related conditions. Algorithms developed to predict the effect of missense changes on protein structure and function output the following: SIFT: "Tolerated"; PolyPhen-2: "Benign"; Align-GVGD: "Class C0". The asparagine amino acid residue is found in multiple mammalian species, which suggests that this missense change does not adversely affect protein function. In summary, the available evidence is currently insufficient to determine the role of this variant in disease. Therefore, it has been classified as a Variant of Uncertain Significance.

NM_000046.5(ARSB):c.1491G>C (p.Lys497Asn)

Gene: ARSB (arylsulfatase B; minus strand). Cytogenetic location: 5q14.1.
Variant type: single nucleotide variant.
Coding change: c.1491G>C on transcript NM_000046.5 (MANE Select); coding-DNA position 1491, G replaced by C.
Protein change: p.Lys497Asn; replaces lysine 497 with asparagine.
Molecular consequence: missense variant.
Genome position (GRCh38, 1-based): chr5:78,780,508, C>G on the plus strand (G>C on the coding strand, the complement: ARSB is on the minus strand). VCF-style: chr5-78780508-C-G. GRCh37 (hg19) VCF-style: chr5-78076331-C-G.
Other names: short protein forms K497N.
Identifiers: ClinVar variation 2071162 (VCV002071162.1), dbSNP rs1301095912, ClinGen allele CA360338995.